The following is an entry in ClinVar:

NM_005392.4(PHF2):c.1935C>T (p.Leu645=)

Gene: PHF2 (PHD finger protein 2; plus strand). Cytogenetic location: 9q22.31.
Variant type: single nucleotide variant.
Coding change: c.1935C>T on transcript NM_005392.4 (MANE Select); coding-DNA position 1935, C replaced by T.
Protein change: p.Leu645=; no amino-acid change (leucine 645 retained).
Molecular consequence: synonymous variant.
Genome position (GRCh38, 1-based): chr9:93,663,633, C>T. VCF-style: chr9-93663633-C-T. GRCh37 (hg19) VCF-style: chr9-96425915-C-T.
Other names: NC_000009.11:g.96425915C>T.
Identifiers: ClinVar variation 733486 (VCV000733486.29), dbSNP rs138464551, ClinGen allele CA5132806.

ClinVar aggregate classification (germline): Benign/Likely benign. Review status: criteria provided, multiple submitters, no conflicts (2 of 4 stars). 3 submissions from 3 submitters: Benign (2); Likely benign (1). Last evaluated 2022-07-01.

Allele frequency attached by ClinVar (database versions not stated): ExAC 0.00129; gnomAD exomes 0.00135; TOPMed 0.00136; gnomAD 0.00147 and 0.00149; ESP Exome Variant Server 0.00177.
gnomAD v4.1: 2,733 of 1,598,720 alleles (0.17%); highest among the groups gnomAD compares: Non-Finnish European, 0.21%; 3 homozygotes.

Submissions (13):

CeGaT Center for Human Genetics Tuebingen
Classification: Likely benign. Last evaluated: 2022-07-01. Review status: criteria provided, single submitter. Criteria: CeGaT Center For Human Genetics Tuebingen Variant Classification Criteria Version 2. Collection method: clinical testing. Allele origin: germline. Affected: yes. Observed: 1 variant allele.
Comment: PHF2: BP4, BP7

Labcorp Genetics (formerly Invitae), Labcorp
Classification: Benign. Last evaluated: 2018-07-16. Review status: criteria provided, single submitter. Criteria: Invitae Variant Classification Sherloc (09022015). Collection method: clinical testing. Allele origin: germline.

Breakthrough Genomics
Classification: Benign. Review status: criteria provided, single submitter. Criteria: ACMG Guidelines, 2015. Collection method: not provided. Allele origin: germline. Inheritance: Unknown mechanism. Affected: yes.

Dr. Peter K. Rogan Lab, Western University
No classification provided (evidence only). Condition: Clear cell carcinoma of kidney. Review status: no classification provided. Collection method: in vitro. Allele origin: not applicable. Functional consequence: retained intron. Not counted in ClinVar's aggregate classification.

Dr. Peter K. Rogan Lab, Western University
No classification provided (evidence only). Condition: Lung cancer. Review status: no classification provided. Collection method: in vitro. Allele origin: not applicable. Functional consequence: retained intron. Not counted in ClinVar's aggregate classification.

Dr. Peter K. Rogan Lab, Western University
No classification provided (evidence only). Condition: Familial cancer of breast. Review status: no classification provided. Collection method: in vitro. Allele origin: not applicable. Functional consequence: retained intron. Not counted in ClinVar's aggregate classification.

Dr. Peter K. Rogan Lab, Western University
No classification provided (evidence only). Condition: Acute myeloid leukemia. Review status: no classification provided. Collection method: in vitro. Allele origin: not applicable. Functional consequence: retained intron. Not counted in ClinVar's aggregate classification.

Dr. Peter K. Rogan Lab, Western University
No classification provided (evidence only). Condition: Colon adenocarcinoma. Review status: no classification provided. Collection method: in vitro. Allele origin: not applicable. Functional consequence: retained intron. Not counted in ClinVar's aggregate classification.

Dr. Peter K. Rogan Lab, Western University
No classification provided (evidence only). Condition: Thyroid cancer, nonmedullary, 1. Review status: no classification provided. Collection method: in vitro. Allele origin: not applicable. Functional consequence: retained intron. Not counted in ClinVar's aggregate classification.

Dr. Peter K. Rogan Lab, Western University
No classification provided (evidence only). Condition: Sarcoma. Review status: no classification provided. Collection method: in vitro. Allele origin: not applicable. Functional consequence: retained intron. Not counted in ClinVar's aggregate classification.

Dr. Peter K. Rogan Lab, Western University
No classification provided (evidence only). Condition: Ovarian serous cystadenocarcinoma. Review status: no classification provided. Collection method: in vitro. Allele origin: not applicable. Functional consequence: retained intron. Not counted in ClinVar's aggregate classification.

Dr. Peter K. Rogan Lab, Western University
No classification provided (evidence only). Condition: Ovarian serous cystadenocarcinoma. Review status: no classification provided. Collection method: in vitro. Allele origin: not applicable. Functional consequence: retained intron. Not counted in ClinVar's aggregate classification.

Dr. Peter K. Rogan Lab, Western University
No classification provided (evidence only). Condition: Chronic lymphocytic leukemia/small lymphocytic lymphoma. Review status: no classification provided. Collection method: in vitro. Allele origin: not applicable. Functional consequence: retained intron. Not counted in ClinVar's aggregate classification.